The following is an entry in ClinVar:

NM_014314.4(RIGI):c.1035T>G (p.Ile345Met)

Gene: RIGI (RNA sensor RIG-I; minus strand). Cytogenetic location: 9p21.1.
Variant type: single nucleotide variant.
Coding change: c.1035T>G on transcript NM_014314.4 (MANE Select); coding-DNA position 1035, T replaced by G.
Protein change: p.Ile345Met; replaces isoleucine 345 with methionine.
Molecular consequence: missense variant.
Genome position (GRCh38, 1-based): chr9:32,488,122, A>C on the plus strand (T>G on the coding strand, the complement: RIGI is on the minus strand). VCF-style: chr9-32488122-A-C. GRCh37 (hg19) VCF-style: chr9-32488120-A-C.
Other names: c.1029T>G, p.Ile343Met (NM_001385907.1); c.1035T>G, p.Ile345Met (NM_001385909.1); c.594T>G, p.Ile198Met (NM_001385910.1); c.426T>G, p.Ile142Met (NM_001385912.1); c.1020T>G, p.Ile340Met (NM_001385913.1); c.591T>G, p.Ile197Met (NM_001385914.1); short protein forms I343M, I340M, I197M, I198M, I142M, I345M.
Identifiers: ClinVar variation 2011203 (VCV002011203.4), dbSNP rs2489331475, ClinGen allele CA373157964.

ClinVar aggregate classification (germline): Uncertain significance (1 of 4 stars; one submission).

Submission:

Labcorp Genetics (formerly Invitae), Labcorp
Classification: Uncertain significance. Last evaluated: 2022-10-13. Review status: criteria provided, single submitter. Criteria: Invitae Variant Classification Sherloc (09022015). Collection method: clinical testing. Allele origin: germline.
Comment: In summary, the available evidence is currently insufficient to determine the role of this variant in disease. Therefore, it has been classified as a Variant of Uncertain Significance. Advanced modeling of protein sequence and biophysical properties (such as structural, functional, and spatial information, amino acid conservation, physicochemical variation, residue mobility, and thermodynamic stability) performed at Invitae indicates that this missense variant is expected to disrupt DDX58 protein function. This variant has not been reported in the literature in individuals affected with DDX58-related conditions. This variant is not present in population databases (gnomAD no frequency). This sequence change replaces isoleucine, which is neutral and non-polar, with methionine, which is neutral and non-polar, at codon 345 of the DDX58 protein (p.Ile345Met).